The following is an entry in ClinVar:

NM_006941.4(SOX10):c.1090_1091insCGAGACCGCGGGGCCCC (p.Gln364fs)

Genes: POLR2F (RNA polymerase II, I and III subunit F; plus strand), SOX10 (SRY-box transcription factor 10; minus strand). Cytogenetic location: 22q13.1.
Variant type: Microsatellite.
Coding change: c.1090_1091insCGAGACCGCGGGGCCCC on transcript NM_006941.4 (MANE Select); coding-DNA positions 1090 to 1091, CGAGACCGCGGGGCCCC inserted.
Protein change: p.Gln364fs; shifts the reading frame from glutamine 364.
Molecular consequence: frameshift variant. On other transcripts: intron variant (3).
Genome position: GRCh38 VCF-style: chr22-37973805-T-TGGGGCCCCGCGGTCTCG. GRCh37 (hg19) VCF-style: chr22-38369812-T-TGGGGCCCCGCGGTCTCG.
Other names: c.*38+1511_*38+1512insGGGGGCCCCGCGGTCTC (NM_001363825.1); c.293+6651_293+6652insGGGGGCCCCGCGGTCTC (NM_001301130.2, NM_001301131.2); short protein forms Q364fs.
Identifiers: ClinVar variation 3601801 (VCV003601801.1).

ClinVar aggregate classification (germline): Likely pathogenic (1 of 4 stars; one submission).

Conditions:
Waardenburg syndrome type 4C (WS4C). Also called: WAARDENBURG SYNDROME WITH HIRSCHSPRUNG DISEASE, TYPE 4C. Identifiers: Orphanet 897, MedGen C2750452, MONDO:0013202, OMIM 613266.

Submission:

Institute of Rare Diseases, West China Hospital, Sichuan University
Classification: Likely pathogenic for Waardenburg syndrome type 4C. Last evaluated: 2025-01-09. Review status: criteria provided, single submitter. Criteria: ClinGen HL ACMG Specifications v1. Collection method: research. Allele origin: germline. Affected: yes.
Comment: PVS1;PM2_Supporting